The following is an entry in ClinVar:

NM_000135.4(FANCA):c.894-3C>T

Gene: FANCA (FA complementation group A; minus strand). Cytogenetic location: 16q24.3.
Variant type: single nucleotide variant.
Coding change: c.894-3C>T on transcript NM_000135.4 (MANE Select); 3 bases into the intron before coding-DNA position 894, C replaced by T.
Molecular consequence: intron variant.
Genome position (GRCh38, 1-based): chr16:89,796,021, G>A on the plus strand (C>T on the coding strand, the complement: FANCA is on the minus strand). VCF-style: chr16-89796021-G-A. GRCh37 (hg19) VCF-style: chr16-89862429-G-A.
Other names: c.894-3C>T (NM_001286167.3, NM_000135.2).
Identifiers: ClinVar variation 1471020 (VCV001471020.4), dbSNP rs2040234388, ClinGen allele CA2241928572.

ClinVar aggregate classification (germline): Conflicting classifications of pathogenicity. Review status: criteria provided, conflicting classifications (1 of 4 stars). 2 submissions from 2 submitters: Uncertain significance (1); Likely benign (1). Last evaluated 2026-08-12.

Conditions:
Fanconi anemia (FA). Also called: Fanconi's anemia. Identifiers: Orphanet 84, MedGen C0015625, MeSH D005199, MONDO:0019391.
FANCA-related disorder. Also called: FANCA-related condition.

Allele frequency attached by ClinVar (database versions not stated): gnomAD exomes below 0.00001; TOPMed below 0.00001.
gnomAD v4.1: 4 of 1,611,844 alleles (0.00025%); highest among the groups gnomAD compares: Admixed American, 0.0017%; no homozygotes.

Submissions (2):

PreventionGenetics, part of Exact Sciences
Classification: Likely benign for FANCA-related condition. Last evaluated: 2026-08-12. Review status: criteria provided, single submitter. Criteria: ACMG Guidelines, 2015. Collection method: clinical testing. Allele origin: germline.
Comment: This variant is classified as likely benign based on ACMG/AMP sequence variant interpretation guidelines (Richards et al. 2015 PMID: 25741868, with internal and published modifications).

Labcorp Genetics (formerly Invitae), Labcorp
Classification: Uncertain significance for Fanconi anemia. Last evaluated: 2022-09-09. Review status: criteria provided, single submitter. Criteria: Invitae Variant Classification Sherloc (09022015). Collection method: clinical testing. Allele origin: germline.
Comment: This sequence change falls in intron 10 of the FANCA gene. It does not directly change the encoded amino acid sequence of the FANCA protein. It affects a nucleotide within the consensus splice site. This variant is not present in population databases (gnomAD no frequency). This variant has not been reported in the literature in individuals affected with FANCA-related conditions. ClinVar contains an entry for this variant (Variation ID: 1471020). Variants that disrupt the consensus splice site are a relatively common cause of aberrant splicing (PMID: 17576681, 9536098). Algorithms developed to predict the effect of sequence changes on RNA splicing suggest that this variant is not likely to affect RNA splicing. In summary, the available evidence is currently insufficient to determine the role of this variant in disease. Therefore, it has been classified as a Variant of Uncertain Significance.

Literature cited by the submitters: PubMed 17576681 (cited by Labcorp Genetics (formerly Invitae), Labcorp); PubMed 9536098 (cited by Labcorp Genetics (formerly Invitae), Labcorp).